The following is an entry in ClinVar:

NM_000170.3(GLDC):c.1887C>G (p.Ile629Met)

Gene: GLDC (glycine decarboxylase; minus strand). Cytogenetic location: 9p24.1.
Variant type: single nucleotide variant.
Coding change: c.1887C>G on transcript NM_000170.3 (MANE Select); coding-DNA position 1887, C replaced by G.
Protein change: p.Ile629Met; replaces isoleucine 629 with methionine.
Molecular consequence: missense variant.
Genome position (GRCh38, 1-based): chr9:6,565,393, G>C on the plus strand (C>G on the coding strand, the complement: GLDC is on the minus strand). VCF-style: chr9-6565393-G-C. GRCh37 (hg19) VCF-style: chr9-6565393-G-C.
Other names: short protein forms I629M.
Identifiers: ClinVar variation 1356980 (VCV001356980.5), dbSNP rs1400097268, ClinGen allele CA372884499.

ClinVar aggregate classification (germline): Uncertain significance (1 of 4 stars; one submission).

Conditions:
Glycine encephalopathy. Also called: Non-ketotic hyperglycinemia; Nonketotic hyperglycinemia. Identifiers: Orphanet 407, MedGen C0751748, MONDO:0011612, HP:0008288.

Allele frequency attached by ClinVar (database versions not stated): gnomAD exomes below 0.00001; TOPMed below 0.00001; gnomAD 0.00001.
gnomAD v4.1: 4 of 1,613,776 alleles (0.00025%); highest among the groups gnomAD compares: Non-Finnish European, 0.00025%; no homozygotes.

Submission:

Labcorp Genetics (formerly Invitae), Labcorp
Classification: Uncertain significance for Glycine encephalopathy. Last evaluated: 2022-05-31. Review status: criteria provided, single submitter. Criteria: Invitae Variant Classification Sherloc (09022015). Collection method: clinical testing. Allele origin: germline.
Comment: This sequence change replaces isoleucine, which is neutral and non-polar, with methionine, which is neutral and non-polar, at codon 629 of the GLDC protein (p.Ile629Met). This variant is present in population databases (no rsID available, gnomAD 0.004%). This variant has not been reported in the literature in individuals affected with GLDC-related conditions. ClinVar contains an entry for this variant (Variation ID: 1356980). Advanced modeling of protein sequence and biophysical properties (such as structural, functional, and spatial information, amino acid conservation, physicochemical variation, residue mobility, and thermodynamic stability) performed at Invitae indicates that this missense variant is expected to disrupt GLDC protein function. In summary, the available evidence is currently insufficient to determine the role of this variant in disease. Therefore, it has been classified as a Variant of Uncertain Significance.